The following is an entry in ClinVar:

NM_173728.4(ARHGEF15):c.368C>T (p.Pro123Leu)

Gene: ARHGEF15 (Rho guanine nucleotide exchange factor 15; plus strand). Cytogenetic location: 17p13.1.
Variant type: single nucleotide variant.
Coding change: c.368C>T on transcript NM_173728.4 (MANE Select); coding-DNA position 368, C replaced by T.
Protein change: p.Pro123Leu; replaces proline 123 with leucine.
Molecular consequence: missense variant.
Genome position (GRCh38, 1-based): chr17:8,312,407, C>T. VCF-style: chr17-8312407-C-T. GRCh37 (hg19) VCF-style: chr17-8215725-C-T.
Other names: c.368C>T (NM_173728.3); c.368C>T, p.Pro123Leu (NM_025014.2); short protein forms P123L.
Identifiers: ClinVar variation 2046096 (VCV002046096.5), dbSNP rs756075166, ClinGen allele CA8374843.

ClinVar aggregate classification (germline): Uncertain significance. Review status: criteria provided, multiple submitters, no conflicts (2 of 4 stars). 2 submissions from 2 submitters: Uncertain significance (2). Last evaluated 2025-12-03.

Conditions:
Early-infantile DEE. Also called: Early infantile epileptic encephalopathy with suppression bursts; Ohtahara syndrome; Early infantile epileptic encephalopathy. Identifiers: Orphanet 1934, MedGen C0393706, MONDO:0800491.

Allele frequency attached by ClinVar (database versions not stated): ExAC 0.00003; gnomAD 0.00003; TOPMed 0.00003; gnomAD exomes 0.00005.
gnomAD v4.1: 74 of 1,613,106 alleles (0.0046%); highest among the groups gnomAD compares: Middle Eastern, 0.016%; no homozygotes.

Submissions (2):

Ambry Genetics
Classification: Uncertain significance. Last evaluated: 2025-12-03. Review status: criteria provided, single submitter. Criteria: Ambry Variant Classification Scheme 2023. Collection method: clinical testing. Allele origin: germline.

Labcorp Genetics (formerly Invitae), Labcorp
Classification: Uncertain significance for Early-infantile DEE. Last evaluated: 2024-02-15. Review status: criteria provided, single submitter. Criteria: Invitae Variant Classification Sherloc (09022015). Collection method: clinical testing. Allele origin: germline.
Comment: This sequence change replaces proline, which is neutral and non-polar, with leucine, which is neutral and non-polar, at codon 123 of the ARHGEF15 protein (p.Pro123Leu). This variant is present in population databases (rs756075166, gnomAD 0.006%). This variant has not been reported in the literature in individuals affected with ARHGEF15-related conditions. ClinVar contains an entry for this variant (Variation ID: 2046096). An algorithm developed to predict the effect of missense changes on protein structure and function (PolyPhen-2) suggests that this variant is likely to be disruptive. In summary, the available evidence is currently insufficient to determine the role of this variant in disease. Therefore, it has been classified as a Variant of Uncertain Significance.